The following is an entry in ClinVar:

ClinVar aggregate classification (germline): Pathogenic (1 of 4 stars; one submission).

Conditions:
Coffin-Siris syndrome 10. Also called: INTELLECTUAL DEVELOPMENTAL DISORDER WITH SPEECH DELAY AND DYSMORPHIC FACIES. Identifiers: MedGen C4760583, MONDO:0032791, OMIM 618506.

Submission:

Department of Clinical Genetics, Aarhus University Hospital
Classification: Pathogenic for Coffin-Siris syndrome 10. Last evaluated: 2025-12-30. Review status: criteria provided, single submitter. Criteria: ACMG Guidelines, 2015. Collection method: clinical testing. Allele origin: de novo. Affected: yes. Observed: 2 variant alleles.
Comment: The variant is not seen in the gnomAD 4.1 database. The variant is a frameshift variant predicted to cause a premature termination codon at aminoacid 212 of 474 (SOX4 only contains 1 exon and NMD is therefore not expected). According to the ACMG guidelines, this variant is interpreted as pathogenic (PVS1_strong, PM2_supporting, PS2_strong).

NM_003107.3(SOX4):c.468_469del (p.Asp156fs)

Gene: SOX4 (SRY-box transcription factor 4; plus strand). Cytogenetic location: 6p22.3.
Variant type: Deletion.
Coding change: c.468_469del on transcript NM_003107.3 (MANE Select); coding-DNA positions 468 to 469, 2 bases deleted (CA; older notation c.468_469delCA).
Protein change: p.Asp156fs; shifts the reading frame from aspartic acid 156.
Molecular consequence: frameshift variant.
Genome position (GRCh38, 1-based): chr6:21,595,002-21,595,003, CA deleted; deleting any 2 consecutive bases within chr6:21,595,001-21,595,003 gives the same sequence; the c. name uses the placement nearest the transcript's 3' end. VCF-style (leftmost placement, unchanged base first): chr6-21595000-GAC-G. GRCh37 (hg19) VCF-style: chr6-21595231-GAC-G.
Other names: short protein forms D156fs.
Identifiers: ClinVar variation 4795244 (VCV004795244.1).
Genomic context (GRCh38, chr6:21,595,000, plus strand): 5'-TCCGGCAACGCCAACTCCAGCTCCTCGGCCGCCGCCTCCTCCAAGCCGGGGGAGAAGGGA[GAC>G]AAGGTCGGTGGCAGTGGCGGGGGCGGCCATGGGGGCGGCGGCGGCGGCGGGAGCAGCAAC-3'